The following is an entry in ClinVar:

ClinVar aggregate classification (germline): Likely benign. Review status: criteria provided, multiple submitters, no conflicts (2 of 4 stars). 3 submissions from 3 submitters: Likely benign (3). Last evaluated 2026-03-25.

Conditions:
SPTBN4-related disorder. Also called: SPTBN4-related condition.

Allele frequency attached by ClinVar (database versions not stated): ExAC 0.00016; gnomAD 0.00025; TOPMed 0.00034; ESP Exome Variant Server 0.00038.
gnomAD v4.1: 329 of 1,612,778 alleles (0.02%); highest among the groups gnomAD compares: Middle Eastern, 0.91%; 7 homozygotes.

Submissions (3):

PreventionGenetics, part of Exact Sciences
Classification: Likely benign for SPTBN4-related condition. Last evaluated: 2026-03-25. Review status: criteria provided, single submitter. Criteria: ACMG Guidelines, 2015. Collection method: clinical testing. Allele origin: germline.
Comment: This variant is classified as likely benign based on ACMG/AMP sequence variant interpretation guidelines (Richards et al. 2015 PMID: 25741868, with internal and published modifications).

Blueprint Genetics
Classification: Likely benign. Last evaluated: 2024-11-25. Review status: criteria provided, single submitter. Criteria: ACMG Guidelines, 2015. Collection method: clinical testing. Allele origin: germline.

CeGaT Center for Human Genetics Tuebingen
Classification: Likely benign. Last evaluated: 2024-07-01. Review status: criteria provided, single submitter. Criteria: CeGaT Center For Human Genetics Tuebingen Variant Classification Criteria Version 2. Collection method: clinical testing. Allele origin: germline. Affected: yes. Observed: 2 variant alleles.
Comment: SPTBN4: BP4, BP7

NM_020971.3(SPTBN4):c.6966C>A (p.Thr2322=)

Gene: SPTBN4 (spectrin beta, non-erythrocytic 4; plus strand). Cytogenetic location: 19q13.2.
Variant type: single nucleotide variant.
Coding change: c.6966C>A on transcript NM_020971.3 (MANE Select); coding-DNA position 6966, C replaced by A.
Protein change: p.Thr2322=; no amino-acid change (threonine 2322 retained).
Molecular consequence: synonymous variant.
Genome position (GRCh38, 1-based): chr19:40,569,666, C>A. VCF-style: chr19-40569666-C-A. GRCh37 (hg19) VCF-style: chr19-41075572-C-A.
Other names: c.6966C>A (NM_020971.2).
Identifiers: ClinVar variation 2649911 (VCV002649911.24), dbSNP rs146874062, ClinGen allele CA9446858.
Genomic context (GRCh38, chr19:40,569,666, plus strand): 5'-TGGGAGAAGGAACCCTGGTTTCACTGGGTCTTTCTGTCCCCCATCCCCCAGGAAGGCCAC[C>A]CTGGCTGACATTGTGGAACAGCTGCAGGAGAAAGAGGCAGGCCCAGGGCTGCCTGCTGGG-3'
Protein context (NP_066022.2, residues 2312-2332): IRGDLVKGKA[Thr2322=]LADIVEQLQE